The following is an entry in ClinVar:

NM_022042.4(SLC26A1):c.1606G>A (p.Gly536Ser)

Genes: IDUA (alpha-L-iduronidase; plus strand), SLC26A1 (solute carrier family 26 member 1; minus strand). Cytogenetic location: 4p16.3.
Variant type: single nucleotide variant.
Coding change: c.1606G>A on transcript NM_022042.4 (MANE Select); coding-DNA position 1606, G replaced by A.
Protein change: p.Gly536Ser; replaces glycine 536 with serine.
Molecular consequence: missense variant. On other transcripts: intron variant (2).
Genome position (GRCh38, 1-based): chr4:989,333, C>T on the plus strand (G>A on the coding strand, the complement: SLC26A1 is on the minus strand). VCF-style: chr4-989333-C-T. GRCh37 (hg19) VCF-style: chr4-983121-C-T.
Other names: c.1606G>A, p.Gly536Ser (NM_213613.4); c.576+1795G>A (NM_134425.4); c.299+1384C>T (NM_000203.5); short protein forms G536S.
Identifiers: ClinVar variation 2266938 (VCV002266938.6), dbSNP rs138353078, ClinGen allele CA2801336.

ClinVar aggregate classification (germline): Uncertain significance. Review status: criteria provided, multiple submitters, no conflicts (2 of 4 stars). 2 submissions from 2 submitters: Uncertain significance (2). Last evaluated 2024-10-11.

Conditions:
Inborn genetic diseases. Identifiers: MedGen C0950123, MeSH D030342.

Allele frequency attached by ClinVar (database versions not stated): gnomAD 0.00011; ExAC 0.00014; TOPMed 0.00014; ESP Exome Variant Server 0.00023.
gnomAD v4.1: 124 of 1,607,228 alleles (0.0077%); highest among the groups gnomAD compares: South Asian, 0.026%; no homozygotes.

Submissions (2):

Ambry Genetics
Classification: Uncertain significance for Inborn genetic diseases. Last evaluated: 2024-10-11. Review status: criteria provided, single submitter. Criteria: Ambry Variant Classification Scheme 2023. Collection method: clinical testing. Allele origin: germline.

Labcorp Genetics (formerly Invitae), Labcorp
Classification: Uncertain significance. Last evaluated: 2023-10-20. Review status: criteria provided, single submitter. Criteria: Invitae Variant Classification Sherloc (09022015). Collection method: clinical testing. Allele origin: germline.
Comment: This sequence change replaces glycine, which is neutral and non-polar, with serine, which is neutral and polar, at codon 536 of the SLC26A1 protein (p.Gly536Ser). This variant is present in population databases (rs138353078, gnomAD 0.02%). This variant has not been reported in the literature in individuals affected with SLC26A1-related conditions. ClinVar contains an entry for this variant (Variation ID: 2266938). Advanced modeling of protein sequence and biophysical properties (such as structural, functional, and spatial information, amino acid conservation, physicochemical variation, residue mobility, and thermodynamic stability) performed at Invitae indicates that this missense variant is not expected to disrupt SLC26A1 protein function. In summary, the available evidence is currently insufficient to determine the role of this variant in disease. Therefore, it has been classified as a Variant of Uncertain Significance.